The following is an entry in ClinVar:

ClinVar aggregate classification (germline): Likely pathogenic (1 of 4 stars; one submission).

Conditions:
Cobalamin C disease. Also called: Cobalamin-C methylmalonic acidemia and homocystinuria; Methylmalonic acidemia and homocystinuria cblC type; Methylmalonic aciduria with homocystinuria cblC type; Methylmalonic aciduria and homocystinuria, Vitamin B12-responsive; Vitamin B12 metabolic defect with combined deficiency of methylmalonyl-CoA mutase and homocysteine:methyltetrahydrofolate methyltransferase; methylmalonic aciduria and homocystinuria type cblC. Identifiers: Orphanet 26, Orphanet 79282, MedGen C1848561, MONDO:0010184, OMIM 277400.

Submission:

Labcorp Genetics (formerly Invitae), Labcorp
Classification: Likely pathogenic for Cobalamin C disease. Last evaluated: 2021-07-06. Review status: criteria provided, single submitter. Criteria: Invitae Variant Classification Sherloc (09022015). Collection method: clinical testing. Allele origin: germline.
Comment: Advanced modeling of protein sequence and biophysical properties (such as structural, functional, and spatial information, amino acid conservation, physicochemical variation, residue mobility, and thermodynamic stability) performed at Invitae indicates that this missense variant is expected to disrupt MMACHC protein function. This variant disrupts the p.Leu116 amino acid residue in MMACHC. Other variant(s) that disrupt this residue have been determined to be pathogenic (PMID: 14568819, 16311595, 18245139, 20631720, 20924684). This suggests that this residue is clinically significant, and that variants that disrupt this residue are likely to be disease-causing. In summary, the currently available evidence indicates that the variant is pathogenic, but additional data are needed to prove that conclusively. Therefore, this variant has been classified as Likely Pathogenic. This variant has not been reported in the literature in individuals affected with MMACHC-related conditions. This sequence change replaces leucine with methionine at codon 116 of the MMACHC protein (p.Leu116Met). The leucine residue is highly conserved and there is a small physicochemical difference between leucine and methionine. This variant is not present in population databases (ExAC no frequency).

Literature cited by the submitters: PubMed 14568819; PubMed 16311595; PubMed 18245139; PubMed 20631720; PubMed 20924684.

NM_015506.3(MMACHC):c.346C>A (p.Leu116Met)

Gene: MMACHC (metabolism of cobalamin associated C; plus strand). Cytogenetic location: 1p34.1.
Variant type: single nucleotide variant.
Coding change: c.346C>A on transcript NM_015506.3 (MANE Select); coding-DNA position 346, C replaced by A.
Protein change: p.Leu116Met; replaces leucine 116 with methionine.
Molecular consequence: missense variant.
Genome position (GRCh38, 1-based): chr1:45,508,281, C>A. VCF-style: chr1-45508281-C-A. GRCh37 (hg19) VCF-style: chr1-45973953-C-A.
Other names: c.175C>A, p.Leu59Met (NM_001330540.2); short protein forms L59M, L116M.
Identifiers: ClinVar variation 1483982 (VCV001483982.8), dbSNP rs2149323564, ClinGen allele CA340132232.